The following is an entry in ClinVar:

ClinVar aggregate classification (germline): Uncertain significance (1 of 4 stars; one submission).

Conditions:
HEPACAM-related disorder. Also called: HEPACAM-related condition.

Submission:

PreventionGenetics, part of Exact Sciences
Classification: Uncertain significance for HEPACAM-related condition. Last evaluated: 2025-12-11. Review status: criteria provided, single submitter. Criteria: ACMG Guidelines, 2015. Collection method: clinical testing. Allele origin: germline.
Comment: The HEPACAM c.889C>T variant is predicted to result in the amino acid substitution p.Pro297Ser. To our knowledge, this variant has not been reported in the literature or in a large population database (gnomAD), indicating this variant is rare. At this time, the clinical significance of this variant is uncertain due to the absence of conclusive functional and genetic evidence.

NM_152722.5(HEPACAM):c.889C>T (p.Pro297Ser)

Gene: HEPACAM (hepatic and glial cell adhesion molecule; minus strand). Cytogenetic location: 11q24.2.
Variant type: single nucleotide variant.
Coding change: c.889C>T on transcript NM_152722.5 (MANE Select); coding-DNA position 889, C replaced by T.
Protein change: p.Pro297Ser; replaces proline 297 with serine.
Molecular consequence: missense variant.
Genome position (GRCh38, 1-based): chr11:124,922,447, G>A on the plus strand (C>T on the coding strand, the complement: HEPACAM is on the minus strand). VCF-style: chr11-124922447-G-A. GRCh37 (hg19) VCF-style: chr11-124792343-G-A.
Other names: c.1045C>T, p.Pro349Ser (NM_001411043.1); c.886C>T, p.Pro296Ser (NM_001441320.1); short protein forms P297S, P296S, P349S.
Identifiers: ClinVar variation 4983725 (VCV004983725.1).